The following is an entry in ClinVar:

NM_144670.6(A2ML1):c.3281A>G (p.Glu1094Gly)

Gene: A2ML1 (alpha-2-macroglobulin like 1; plus strand). Cytogenetic location: 12p13.31.
Variant type: single nucleotide variant.
Coding change: c.3281A>G on transcript NM_144670.6 (MANE Select); coding-DNA position 3281, A replaced by G.
Protein change: p.Glu1094Gly; replaces glutamic acid 1094 with glycine.
Molecular consequence: missense variant.
Genome position (GRCh38, 1-based): chr12:8,860,897, A>G. VCF-style: chr12-8860897-A-G. GRCh37 (hg19) VCF-style: chr12-9013493-A-G.
Other names: c.1808A>G, p.Glu603Gly (NM_001282424.3); short protein forms E1094G, E603G.
Identifiers: ClinVar variation 1010841 (VCV001010841.8), dbSNP rs1944236208, ClinGen allele CA383840136.

ClinVar aggregate classification (germline): Uncertain significance (1 of 4 stars; one submission).

Submission:

Labcorp Genetics (formerly Invitae), Labcorp
Classification: Uncertain significance. Last evaluated: 2022-07-25. Review status: criteria provided, single submitter. Criteria: Invitae Variant Classification Sherloc (09022015). Collection method: clinical testing. Allele origin: germline.
Comment: This variant has not been reported in the literature in individuals affected with A2ML1-related conditions. This variant is not present in population databases (gnomAD no frequency). This sequence change replaces glutamic acid, which is acidic and polar, with glycine, which is neutral and non-polar, at codon 1094 of the A2ML1 protein (p.Glu1094Gly). ClinVar contains an entry for this variant (Variation ID: 1010841). Algorithms developed to predict the effect of missense changes on protein structure and function (SIFT, PolyPhen-2, Align-GVGD) all suggest that this variant is likely to be tolerated. In summary, the available evidence is currently insufficient to determine the role of this variant in disease. Therefore, it has been classified as a Variant of Uncertain Significance.